The following is an entry in ClinVar:

NM_207361.6(FREM2):c.4837G>T (p.Glu1613Ter)

Gene: FREM2 (FRAS1 related extracellular matrix 2; plus strand). Cytogenetic location: 13q13.3.
Variant type: single nucleotide variant.
Coding change: c.4837G>T on transcript NM_207361.6 (MANE Select); coding-DNA position 4837, G replaced by T.
Protein change: p.Glu1613Ter; replaces glutamic acid 1613 with a stop codon.
Molecular consequence: nonsense.
Genome position (GRCh38, 1-based): chr13:38,692,181, G>T. VCF-style: chr13-38692181-G-T. GRCh37 (hg19) VCF-style: chr13-39266318-G-T.
Other names: short protein forms E1613*.
Identifiers: ClinVar variation 5018688 (VCV005018688.2).

ClinVar aggregate classification (germline): Likely pathogenic (1 of 4 stars; one submission).

Conditions:
Isolated cryptophthalmia. Also called: Cryptophthalmos, unilateral or bilateral, isolated; ANKYLOBLEPHARON, SIMPLE. Identifiers: Orphanet 91396, MedGen C1852453, MONDO:0007410, OMIM 123570.
Fraser syndrome 2 (FRASRS2). Identifiers: MedGen C4540036, MONDO:0054738, OMIM 617666.

Submission:

Juno Genomics, Hangzhou Juno Genomics, Inc
Classification: Likely pathogenic for Isolated cryptophthalmia; Fraser syndrome 2. Review status: criteria provided, single submitter. Criteria: ACMG Guidelines, 2015. Collection method: clinical testing. Allele origin: germline.
Comment: Absent from controls (or at extremely low frequency if recessive) in Genome Aggregation Database.;Null variant in a gene where loss of function (LOF) is a known mechanism of disease.